The following is an entry in ClinVar:

NM_001385026.1(PEAK1):c.1254T>C (p.Ala418=)

Gene: PEAK1 (pseudopodium enriched atypical kinase 1; minus strand). Cytogenetic location: 15q24.3.
Variant type: single nucleotide variant.
Coding change: c.1254T>C on transcript NM_001385026.1 (MANE Select); coding-DNA position 1254, T replaced by C.
Protein change: p.Ala418=; no amino-acid change (alanine 418 retained).
Molecular consequence: synonymous variant.
Genome position (GRCh38, 1-based): chr15:77,180,673, A>G on the plus strand (T>C on the coding strand, the complement: PEAK1 is on the minus strand). VCF-style: chr15-77180673-A-G. GRCh37 (hg19) VCF-style: chr15-77473015-A-G.
Other names: c.1254T>C, p.Ala418= (NM_001385027.1, NM_001387085.1, NM_001387086.1 and 1 more transcripts).
Identifiers: ClinVar variation 4984107 (VCV004984107.1).

ClinVar aggregate classification (germline): Likely benign (1 of 4 stars; one submission).

Conditions:
PEAK1-related disorder. Also called: PEAK1-related condition.

gnomAD v4.1: 16 of 1,614,102 alleles (0.00099%); highest among the groups gnomAD compares: Admixed American, 0.025%; no homozygotes.

Submission:

PreventionGenetics, part of Exact Sciences
Classification: Likely benign for PEAK1-related condition. Last evaluated: 2025-06-26. Review status: criteria provided, single submitter. Criteria: ACMG Guidelines, 2015. Collection method: clinical testing. Allele origin: germline.
Comment: This variant is classified as likely benign based on ACMG/AMP sequence variant interpretation guidelines (Richards et al. 2015 PMID: 25741868, with internal and published modifications).